The following is an entry in ClinVar:

ClinVar aggregate classification (germline): Benign. Review status: criteria provided, multiple submitters, no conflicts (2 of 4 stars). 2 submissions from 2 submitters: Benign (2). Last evaluated 2018-06-19.

Allele frequency attached by ClinVar (database versions not stated): gnomAD exomes 0.06793; 1000 Genomes Project 0.07069; 1000 Genomes Project 30x 0.07230; gnomAD 0.08579 and 0.08956; TOPMed 0.08807.
gnomAD v4.1: 97,437 of 1,391,064 alleles (7%); highest among the groups gnomAD compares: African/African-American, 14%; 3,815 homozygotes.

Submissions (2):

GeneDx
Classification: Benign. Last evaluated: 2018-06-19. Review status: criteria provided, single submitter. Criteria: GeneDx Variant Classification (06012015). Collection method: clinical testing. Allele origin: germline. Affected: yes.
Comment: This variant is considered likely benign or benign based on one or more of the following criteria: it is a conservative change, it occurs at a poorly conserved position in the protein, it is predicted to be benign by multiple in silico algorithms, and/or has population frequency not consistent with disease.

Breakthrough Genomics
Classification: Benign. Review status: criteria provided, single submitter. Criteria: ACMG Guidelines, 2015. Collection method: not provided. Allele origin: germline. Inheritance: Autosomal dominant inheritance. Affected: yes.

NM_033118.4(MYLK2):c.1710+120C>T

Gene: MYLK2 (myosin light chain kinase 2; plus strand). Cytogenetic location: 20q11.21.
Variant type: single nucleotide variant.
Coding change: c.1710+120C>T on transcript NM_033118.4 (MANE Select); 120 bases into the intron after coding-DNA position 1710, C replaced by T.
Molecular consequence: intron variant.
Genome position (GRCh38, 1-based): chr20:31,832,256, C>T. VCF-style: chr20-31832256-C-T. GRCh37 (hg19) VCF-style: chr20-30420059-C-T.
Identifiers: ClinVar variation 672791 (VCV000672791.2), dbSNP rs28763881, ClinGen allele CA313851872.
Genomic context (GRCh38, chr20:31,832,256, plus strand): 5'-AGATCCCAGCCTCCACCGTCCCTGCCTTGGCAGGTTCTGTTGACCAGGCTGGGCCCTGTC[C>T]GGAAGACAGGGTTGACTTTTCTGTTTTTGCCCTGGGCTGGCTCCTGTCCTAGAGTGGAGA-3'